The following is an entry in ClinVar:

NM_000334.4(SCN4A):c.2593G>A (p.Gly865Arg)

Genes: GH-LCR (growth hormone locus control region; plus strand), SCN4A (sodium voltage-gated channel alpha subunit 4; minus strand). Cytogenetic location: 17q23.3.
Variant type: single nucleotide variant.
Coding change: c.2593G>A on transcript NM_000334.4 (MANE Select); coding-DNA position 2593, G replaced by A.
Protein change: p.Gly865Arg; replaces glycine 865 with arginine.
Molecular consequence: missense variant.
Genome position (GRCh38, 1-based): chr17:63,951,684, C>T on the plus strand (G>A on the coding strand, the complement: SCN4A is on the minus strand). VCF-style: chr17-63951684-C-T. GRCh37 (hg19) VCF-style: chr17-62029044-C-T.
Other names: short protein forms G865R.
Identifiers: ClinVar variation 850176 (VCV000850176.36), dbSNP rs752159625, ClinGen allele CA8709554.
Genomic context (GRCh38, chr17:63,951,684, plus strand): 5'-CCTCGGGCGGCTCCTTCTTCTCATCCTCGGGGGCAGTCTCCCCCGCCTCTCCAGCCTCCC[C>T]GGCCCCGTCAGCCTCCCCGAGGCTGAGCATGATGTCCTTGGGGCTCAGGATCTTGCCATG-3'
Protein context (NP_000325.4, residues 855-875): MLSLGEADGA[Gly865Arg]EAGEAGETAP

ClinVar aggregate classification (germline): Uncertain significance. Review status: criteria provided, multiple submitters, no conflicts (2 of 4 stars). 4 submissions from 4 submitters: Uncertain significance (4). Last evaluated 2025-09-02.

Conditions:
Hyperkalemic periodic paralysis. Also called: Familial hyperkalemic periodic paralysis; Gamstorp disease. Identifiers: Orphanet 682, MedGen C0238357, MONDO:0008224, OMIM 170500, HP:0007215.
Inborn genetic diseases. Identifiers: MedGen C0950123, MeSH D030342.

Allele frequency attached by ClinVar (database versions not stated): TOPMed 0.00002.
gnomAD v4.1: 64 of 1,603,132 alleles (0.004%); highest among the groups gnomAD compares: Middle Eastern, 0.082%; no homozygotes.

Submissions (4):

Labcorp Genetics (formerly Invitae), Labcorp
Classification: Uncertain significance for Hyperkalemic periodic paralysis. Last evaluated: 2025-09-02. Review status: criteria provided, single submitter. Criteria: Invitae Variant Classification Sherloc (09022015). Collection method: clinical testing. Allele origin: germline.
Comment: This sequence change replaces glycine, which is neutral and non-polar, with arginine, which is basic and polar, at codon 865 of the SCN4A protein (p.Gly865Arg). This variant is present in population databases (rs752159625, gnomAD 0.01%). This variant has not been reported in the literature in individuals affected with SCN4A-related conditions. ClinVar contains an entry for this variant (Variation ID: 850176). Invitae Evidence Modeling of protein sequence and biophysical properties (such as structural, functional, and spatial information, amino acid conservation, physicochemical variation, residue mobility, and thermodynamic stability) indicates that this missense variant is not expected to disrupt SCN4A protein function with a negative predictive value of 95%. In summary, the available evidence is currently insufficient to determine the role of this variant in disease. Therefore, it has been classified as a Variant of Uncertain Significance.

Ambry Genetics
Classification: Uncertain significance for Inborn genetic diseases. Last evaluated: 2024-07-07. Review status: criteria provided, single submitter. Criteria: Ambry Variant Classification Scheme 2023. Collection method: clinical testing. Allele origin: germline.

CeGaT Center for Human Genetics Tuebingen
Classification: Uncertain significance. Last evaluated: 2023-10-01. Review status: criteria provided, single submitter. Criteria: CeGaT Center For Human Genetics Tuebingen Variant Classification Criteria Version 2. Collection method: clinical testing. Allele origin: germline. Affected: yes. Observed: 1 variant allele.
Comment: SCN4A: PM2

Revvity Omics, Revvity
Classification: Uncertain significance. Last evaluated: 2023-06-20. Review status: criteria provided, single submitter. Criteria: ACMG Guidelines, 2015. Collection method: clinical testing. Allele origin: germline.